The following is an entry in ClinVar:

NM_001384474.1(LOXHD1):c.3079C>T (p.Gln1027Ter)

Gene: LOXHD1 (lipoxygenase homology PLAT domains 1; minus strand). Cytogenetic location: 18q21.1.
Variant type: single nucleotide variant.
Coding change: c.3079C>T on transcript NM_001384474.1 (MANE Select); coding-DNA position 3079, C replaced by T.
Protein change: p.Gln1027Ter; replaces glutamine 1027 with a stop codon.
Molecular consequence: nonsense.
Genome position (GRCh38, 1-based): chr18:46,559,585, G>A on the plus strand (C>T on the coding strand, the complement: LOXHD1 is on the minus strand). VCF-style: chr18-46559585-G-A. GRCh37 (hg19) VCF-style: chr18-44139548-G-A.
Other names: c.3079C>T, p.Gln1027Ter (NM_144612.7); short protein forms Q1027*.
Identifiers: ClinVar variation 1993183 (VCV001993183.4), dbSNP rs1599001947, ClinGen allele CA402369517.

ClinVar aggregate classification (germline): Pathogenic (1 of 4 stars; one submission).

gnomAD v4.1: 2 of 1,551,812 alleles (0.00013%); no homozygotes.

Submission:

Labcorp Genetics (formerly Invitae), Labcorp
Classification: Pathogenic. Last evaluated: 2022-05-12. Review status: criteria provided, single submitter. Criteria: Invitae Variant Classification Sherloc (09022015). Collection method: clinical testing. Allele origin: germline.
Comment: For these reasons, this variant has been classified as Pathogenic. This variant has not been reported in the literature in individuals affected with LOXHD1-related conditions. This variant is not present in population databases (gnomAD no frequency). This sequence change creates a premature translational stop signal (p.Gln1027*) in the LOXHD1 gene. It is expected to result in an absent or disrupted protein product. Loss-of-function variants in LOXHD1 are known to be pathogenic (PMID: 19732867, 21465660, 25792669).

Literature cited by the submitters: PubMed 19732867; PubMed 21465660; PubMed 25792669.